The following is an entry in ClinVar:

NM_000245.4(MET):c.1201-20A>G

Gene: MET (MET proto-oncogene, receptor tyrosine kinase; plus strand). Cytogenetic location: 7q31.2.
Variant type: single nucleotide variant.
Coding change: c.1201-20A>G on transcript NM_000245.4 (MANE Select); 20 bases into the intron before coding-DNA position 1201, A replaced by G.
Molecular consequence: intron variant.
Genome position (GRCh38, 1-based): chr7:116,731,648, A>G. VCF-style: chr7-116731648-A-G. GRCh37 (hg19) VCF-style: chr7-116371702-A-G.
Other names: c.1201-20A>G (NM_001127500.3, NM_001324401.3); c.-90-20A>G (NM_001324402.2).
Identifiers: ClinVar variation 2024402 (VCV002024402.5), dbSNP rs2116778642, ClinGen allele CA2580076229.

ClinVar aggregate classification (germline): Likely benign. Review status: criteria provided, multiple submitters, no conflicts (2 of 4 stars). 2 submissions from 2 submitters: Likely benign (2). Last evaluated 2024-11-07.

Conditions:
Renal cell carcinoma. Identifiers: Orphanet 217071, MedGen C0007134, MeSH D002292, MONDO:0005086, HP:0005584.
Papillary renal cell carcinoma type 1 (RCCP1). Also called: Renal adenocarcinoma; Renal cell carcinoma 1; Renal cell carcinoma, somatic; RENAL CELL CARCINOMA, PAPILLARY, 1, SOMATIC. Identifiers: Orphanet 47044, MedGen C1336839, OMIM 605074, HP:0011797.

Submissions (2):

Myriad Genetics, Inc.
Classification: Likely benign for Papillary renal cell carcinoma type 1. Last evaluated: 2024-11-07. Review status: criteria provided, single submitter. Criteria: Myriad Autosomal Dominant, Autosomal Recessive and X-Linked Classification Criteria (2023). Collection method: clinical testing. Allele origin: unknown.
Comment: This variant is considered likely benign. This variant is intronic and is not expected to impact mRNA splicing.

Labcorp Genetics (formerly Invitae), Labcorp
Classification: Likely benign for Renal cell carcinoma. Last evaluated: 2022-08-17. Review status: criteria provided, single submitter. Criteria: Invitae Variant Classification Sherloc (09022015). Collection method: clinical testing. Allele origin: germline.